The following is an entry in ClinVar:

ClinVar aggregate classification (germline): Uncertain significance (1 of 4 stars; one submission).

Conditions:
Charcot-Marie-Tooth disease axonal type 2Z. Also called: CHARCOT-MARIE-TOOTH DISEASE, AXONAL, AUTOSOMAL DOMINANT, TYPE 2Z; CHARCOT-MARIE-TOOTH NEUROPATHY, TYPE 2Z. Identifiers: Orphanet 466768, MedGen C5569025, MONDO:0014736, OMIM 616688.

Allele frequency attached by ClinVar (database versions not stated): gnomAD exomes below 0.00001.
gnomAD v4.1: 2 of 1,613,934 alleles (0.00012%); highest among the groups gnomAD compares: Non-Finnish European, 0.00017%; no homozygotes.

Submission:

Labcorp Genetics (formerly Invitae), Labcorp
Classification: Uncertain significance for Charcot-Marie-Tooth disease axonal type 2Z. Last evaluated: 2020-03-12. Review status: criteria provided, single submitter. Criteria: Invitae Variant Classification Sherloc (09022015). Collection method: clinical testing. Allele origin: germline.
Comment: In summary, the available evidence is currently insufficient to determine the role of this variant in disease. Therefore, it has been classified as a Variant of Uncertain Significance. Algorithms developed to predict the effect of missense changes on protein structure and function are either unavailable or do not agree on the potential impact of this missense change (SIFT: "Not Available"; PolyPhen-2: "Possibly Damaging"; Align-GVGD: "Not Available"). This variant has not been reported in the literature in individuals with MORC2-related conditions. This sequence change replaces phenylalanine with leucine at codon 188 of the MORC2 protein (p.Phe188Leu). The phenylalanine residue is highly conserved and there is a small physicochemical difference between phenylalanine and leucine. This variant is not present in population databases (ExAC no frequency).

NM_001303256.3(MORC2):c.564T>G (p.Phe188Leu)

Gene: MORC2 (MORC family CW-type zinc finger 2; minus strand). Cytogenetic location: 22q12.2.
Variant type: single nucleotide variant.
Coding change: c.564T>G on transcript NM_001303256.3 (MANE Select); coding-DNA position 564, T replaced by G.
Protein change: p.Phe188Leu; replaces phenylalanine 188 with leucine.
Molecular consequence: missense variant.
Genome position (GRCh38, 1-based): chr22:30,942,134, A>C on the plus strand (T>G on the coding strand, the complement: MORC2 is on the minus strand). VCF-style: chr22-30942134-A-C. GRCh37 (hg19) VCF-style: chr22-31338121-A-C.
Other names: c.564T>G, p.Phe188Leu (NM_001303257.2); c.378T>G, p.Phe126Leu (NM_014941.3); short protein forms F126L, F188L.
Identifiers: ClinVar variation 1006738 (VCV001006738.7), dbSNP rs1569195312, ClinGen allele CA411243474.